The following is an entry in ClinVar:

ClinVar aggregate classification (germline): Uncertain significance (1 of 4 stars; one submission).

gnomAD v4.1: 2 of 1,613,632 alleles (0.00012%); highest among the groups gnomAD compares: Middle Eastern, 0.016%; no homozygotes.

Submission:

Women's Health and Genetics/Laboratory Corporation of America, LabCorp
Classification: Uncertain significance. Last evaluated: 2025-07-03. Review status: criteria provided, single submitter. Criteria: LabCorp Variant Classification Summary - May 2015. Collection method: clinical testing. Allele origin: germline.
Comment: Variant summary: VPS45 c.439G>A (p.Gly147Ser) results in a non-conservative amino acid change in the encoded protein sequence. Algorithms developed to predict the effect of missense changes on protein structure and function are either unavailable or do not agree on the potential impact of this missense change. The variant was absent in 250808 control chromosomes. The available data on variant occurrences in the general population are insufficient to allow any conclusion about variant significance. To our knowledge, no occurrence of c.439G>A in individuals affected with Severe Congenital Neutropenia and no experimental evidence demonstrating its impact on protein function have been reported. No submitters have cited clinical-significance assessments for this variant to ClinVar. Based on the evidence outlined above, the variant was classified as uncertain significance.

NM_007259.5(VPS45):c.439G>A (p.Gly147Ser)

Gene: VPS45 (vacuolar protein sorting 45 homolog; plus strand). Cytogenetic location: 1q21.2.
Variant type: single nucleotide variant.
Coding change: c.439G>A on transcript NM_007259.5 (MANE Select); coding-DNA position 439, G replaced by A.
Protein change: p.Gly147Ser; replaces glycine 147 with serine.
Molecular consequence: missense variant. On other transcripts: intron variant (1).
Genome position (GRCh38, 1-based): chr1:150,077,094, G>A. VCF-style: chr1-150077094-G-A. GRCh37 (hg19) VCF-style: chr1-150049172-G-A.
Other names: c.331G>A, p.Gly111Ser (NM_001279354.2); c.262-575G>A (NM_001279353.2); short protein forms G111S, G147S.
Identifiers: ClinVar variation 3911940 (VCV003911940.2).